The following is an entry in ClinVar:

NM_000059.4(BRCA2):c.2537C>T (p.Ser846Leu)

Gene: BRCA2 (BRCA2 DNA repair associated; plus strand). Cytogenetic location: 13q13.1.
Variant type: single nucleotide variant.
Coding change: c.2537C>T on transcript NM_000059.4 (MANE Select); coding-DNA position 2537, C replaced by T.
Protein change: p.Ser846Leu; replaces serine 846 with leucine.
Molecular consequence: missense variant.
Genome position (GRCh38, 1-based): chr13:32,336,892, C>T. VCF-style: chr13-32336892-C-T. GRCh37 (hg19) VCF-style: chr13-32911029-C-T.
Other names: c.2537C>T, p.Ser846Leu (NM_001406719.1, NM_001406720.1); short protein forms S846L.
Identifiers: ClinVar variation 2125364 (VCV002125364.6), dbSNP rs80358518, ClinGen allele CA387772498.

ClinVar aggregate classification (germline): Conflicting classifications of pathogenicity. Review status: criteria provided, conflicting classifications (1 of 4 stars). 2 submissions from 2 submitters: Uncertain significance (1); Likely benign (1). Last evaluated 2023-03-23.

Conditions:
Hereditary cancer-predisposing syndrome. Also called: Hereditary neoplastic syndrome; Tumor predisposition; Hereditary Cancer Syndrome; Neoplastic Syndromes, Hereditary. Identifiers: Orphanet 140162, MedGen C0027672, MeSH D009386, MONDO:0015356.
Hereditary breast ovarian cancer syndrome. Also called: Hereditary breast and ovarian cancer syndrome; BRCA1- and BRCA2-Associated Hereditary Breast and Ovarian Cancer; Hereditary breast and ovarian cancer syndrome (HBOC); Hereditary breast and/or ovarian cancer syndrome; Hereditary breast and ovarian cancer; Breast and ovarian cancer. Identifiers: Orphanet 145, MedGen C0677776, MeSH D061325, MONDO:0003582. Disease mechanism: loss of function.

Submissions (2):

University of Washington Department of Laboratory Medicine, University of Washington
Classification: Likely benign for Hereditary cancer-predisposing syndrome. Last evaluated: 2023-03-23. Review status: criteria provided, single submitter. Criteria: Dines et al. (Genet Med. 2020). Collection method: curation. Allele origin: germline.
Comment: Missense variant in a coldspot region where missense variants are very unlikely to be pathogenic (PMID:31911673).

BRCA2 exon 11 coldspot. Reclassification based on statistical prior probability.

Labcorp Genetics (formerly Invitae), Labcorp
Classification: Uncertain significance for Hereditary breast ovarian cancer syndrome. Last evaluated: 2022-04-12. Review status: criteria provided, single submitter. Criteria: Invitae Variant Classification Sherloc (09022015). Collection method: clinical testing. Allele origin: germline.
Comment: Advanced modeling of protein sequence and biophysical properties (such as structural, functional, and spatial information, amino acid conservation, physicochemical variation, residue mobility, and thermodynamic stability) performed at Invitae indicates that this missense variant is not expected to disrupt BRCA2 protein function. In summary, the available evidence is currently insufficient to determine the role of this variant in disease. Therefore, it has been classified as a Variant of Uncertain Significance. This variant has not been reported in the literature in individuals affected with BRCA2-related conditions. This variant is not present in population databases (gnomAD no frequency). This sequence change replaces serine, which is neutral and polar, with leucine, which is neutral and non-polar, at codon 846 of the BRCA2 protein (p.Ser846Leu).